The following is an entry in ClinVar:

ClinVar aggregate classification (germline): Conflicting classifications of pathogenicity. Review status: criteria provided, conflicting classifications (1 of 4 stars). 3 submissions from 3 submitters: Uncertain significance (2); Likely benign (1). Last evaluated 2025-12-18.

Conditions:
Inborn genetic diseases. Identifiers: MedGen C0950123, MeSH D030342.
Neurodevelopmental disorder with brain anomalies and with or without vertebral or cardiac anomalies. Identifiers: MedGen C5231481, MONDO:0032888, OMIM 618731.

Allele frequency attached by ClinVar (database versions not stated): gnomAD 0.00005; TOPMed 0.00006; gnomAD exomes 0.00010; 1000 Genomes Project 30x 0.00016; 1000 Genomes Project 0.00020; ExAC 0.00028.
gnomAD v4.1: 143 of 1,590,438 alleles (0.009%); highest among the groups gnomAD compares: South Asian, 0.1%; no homozygotes.

Submissions (3):

Labcorp Genetics (formerly Invitae), Labcorp
Classification: Uncertain significance. Last evaluated: 2025-12-18. Review status: criteria provided, single submitter. Criteria: Invitae Variant Classification Sherloc (09022015). Collection method: clinical testing. Allele origin: germline.
Comment: This sequence change replaces glutamic acid, which is acidic and polar, with lysine, which is basic and polar, at codon 905 of the DHX37 protein (p.Glu905Lys). This variant is present in population databases (rs369804720, gnomAD 0.1%). This variant has not been reported in the literature in individuals affected with DHX37-related conditions. ClinVar contains an entry for this variant (Variation ID: 2145601). Invitae Evidence Modeling of protein sequence and biophysical properties (such as structural, functional, and spatial information, amino acid conservation, physicochemical variation, residue mobility, and thermodynamic stability) indicates that this missense variant is not expected to disrupt DHX37 protein function with a negative predictive value of 80%. In summary, the available evidence is currently insufficient to determine the role of this variant in disease. Therefore, it has been classified as a Variant of Uncertain Significance.

Ambry Genetics
Classification: Uncertain significance for Inborn genetic diseases. Last evaluated: 2025-08-06. Review status: criteria provided, single submitter. Criteria: Ambry Variant Classification Scheme 2023. Collection method: clinical testing. Allele origin: germline.

3billion
Classification: Likely benign for Neurodevelopmental disorder with brain anomalies and with or without vertebral or cardiac anomalies. Last evaluated: 2024-09-20. Review status: criteria provided, single submitter. Criteria: ACMG Guidelines, 2015. Collection method: clinical testing. Allele origin: germline. Affected: no.
Comment: The homozygous variant was found in patients diagnosed with another variant in a different gene, with no symptoms related to the gene containing the homozygous variant.

NM_032656.4(DHX37):c.2713G>A (p.Glu905Lys)

Gene: DHX37 (DEAH-box helicase 37; minus strand). Cytogenetic location: 12q24.31.
Variant type: single nucleotide variant.
Coding change: c.2713G>A on transcript NM_032656.4 (MANE Select); coding-DNA position 2713, G replaced by A.
Protein change: p.Glu905Lys; replaces glutamic acid 905 with lysine.
Molecular consequence: missense variant.
Genome position (GRCh38, 1-based): chr12:124,952,553, C>T on the plus strand (G>A on the coding strand, the complement: DHX37 is on the minus strand). VCF-style: chr12-124952553-C-T. GRCh37 (hg19) VCF-style: chr12-125437099-C-T.
Other names: c.2713G>A (NM_032656.3); short protein forms E905K.
Identifiers: ClinVar variation 2145601 (VCV002145601.7), dbSNP rs369804720, ClinGen allele CA6871505.